The following is an entry in ClinVar:

ClinVar aggregate classification (germline): Likely benign. Review status: criteria provided, single submitter (1 of 4 stars). 2 submissions from 2 submitters: Likely benign (1). 1 of the submissions does not count toward it. Last evaluated 2025-08-04.

Conditions:
LOXHD1-related disorder. Also called: LOXHD1-related condition.

Allele frequency attached by ClinVar (database versions not stated): gnomAD exomes 0.00001; TOPMed 0.00003; gnomAD 0.00004.
gnomAD v4.1: 19 of 1,551,634 alleles (0.0012%); highest among the groups gnomAD compares: African/African-American, 0.025%; no homozygotes.

Submissions (2):

Labcorp Genetics (formerly Invitae), Labcorp
Classification: Likely benign. Last evaluated: 2025-08-04. Review status: criteria provided, single submitter. Criteria: Invitae Variant Classification Sherloc (09022015). Collection method: clinical testing. Allele origin: germline.

PreventionGenetics, part of Exact Sciences
Classification: Likely benign for LOXHD1-related condition. Last evaluated: 2019-11-21. Review status: no assertion criteria provided. Collection method: clinical testing. Allele origin: germline. Not counted in ClinVar's aggregate classification.
Comment: This variant is classified as likely benign based on ACMG/AMP sequence variant interpretation guidelines (Richards et al. 2015 PMID: 25741868, with internal and published modifications).

NM_001384474.1(LOXHD1):c.5661C>T (p.Tyr1887=)

Gene: LOXHD1 (lipoxygenase homology PLAT domains 1; minus strand). Cytogenetic location: 18q21.1.
Variant type: single nucleotide variant.
Coding change: c.5661C>T on transcript NM_001384474.1 (MANE Select); coding-DNA position 5661, C replaced by T.
Protein change: p.Tyr1887=; no amino-acid change (tyrosine 1887 retained).
Molecular consequence: synonymous variant.
Genome position (GRCh38, 1-based): chr18:46,507,569, G>A on the plus strand (C>T on the coding strand, the complement: LOXHD1 is on the minus strand). VCF-style: chr18-46507569-G-A. GRCh37 (hg19) VCF-style: chr18-44087532-G-A.
Other names: c.5475C>T (NM_144612.6); c.2328C>T, p.Tyr776= (NM_001145472.3); c.378C>T, p.Tyr126= (NM_001145473.3, NM_001173129.2); c.2040C>T, p.Tyr680= (NM_001308013.2); c.5475C>T, p.Tyr1825= (NM_144612.7).
Identifiers: ClinVar variation 1081434 (VCV001081434.11), dbSNP rs1170185905, ClinGen allele CA503808817.